The following is an entry in ClinVar:

NM_000138.5(FBN1):c.8498G>C (p.Ser2833Thr)

Gene: FBN1 (fibrillin 1; minus strand). Cytogenetic location: 15q21.1.
Variant type: single nucleotide variant.
Coding change: c.8498G>C on transcript NM_000138.5 (MANE Select); coding-DNA position 8498, G replaced by C.
Protein change: p.Ser2833Thr; replaces serine 2833 with threonine.
Molecular consequence: missense variant.
Genome position (GRCh38, 1-based): chr15:48,411,108, C>G on the plus strand (G>C on the coding strand, the complement: FBN1 is on the minus strand). VCF-style: chr15-48411108-C-G. GRCh37 (hg19) VCF-style: chr15-48703305-C-G.
Other names: short protein forms S2833T.
Identifiers: ClinVar variation 921090 (VCV000921090.4), dbSNP rs549604448, ClinGen allele CA392318796.

ClinVar aggregate classification (germline): Uncertain significance (1 of 4 stars; one submission).

Conditions:
Familial thoracic aortic aneurysm and aortic dissection (TAAD). Also called: Thoracic aortic aneurysms and dissections. Identifiers: Orphanet 91387, MedGen C4707243, MONDO:0019625.

gnomAD v4.1: 1 of 1,614,072 alleles (0.000062%); highest among the groups gnomAD compares: Non-Finnish European, 0.000085%; no homozygotes.

Submission:

Color Diagnostics, LLC DBA Color Health
Classification: Uncertain significance for Familial thoracic aortic aneurysm and aortic dissection. Last evaluated: 2024-03-06. Review status: criteria provided, single submitter. Criteria: ACMG Guidelines, 2015. Collection method: clinical testing. Allele origin: germline.
Comment: This missense variant replaces serine with threonine at codon 2833 of the FBN1 protein. Computational prediction is inconclusive regarding the impact of this variant on protein structure and function (internally defined REVEL score threshold 0.5 < inconclusive < 0.7, PMID: 27666373). Splice site prediction tools suggest that this variant may not impact RNA splicing. To our knowledge, functional studies have not been performed for this variant. This variant has not been reported in individuals affected with cardiovascular disorders in the literature. This variant has not been identified in the general population by the Genome Aggregation Database (gnomAD). The available evidence is insufficient to determine the role of this variant in disease conclusively. Therefore, this variant is classified as a Variant of Uncertain Significance.